The following is an entry in ClinVar:

NM_001953.5(TYMP):c.647-1G>C

Gene: TYMP (thymidine phosphorylase; minus strand). Cytogenetic location: 22q13.33.
Variant type: single nucleotide variant.
Coding change: c.647-1G>C on transcript NM_001953.5 (MANE Select); the canonical splice acceptor site of the intron before coding-DNA position 647, G replaced by C.
Molecular consequence: splice acceptor variant.
Genome position (GRCh38, 1-based): chr22:50,527,284, C>G on the plus strand (G>C on the coding strand, the complement: TYMP is on the minus strand). VCF-style: chr22-50527284-C-G. GRCh37 (hg19) VCF-style: chr22-50965713-C-G.
Other names: c.647-1G>C (NM_001257989.1, NM_001257988.1, NM_001113755.3 and 1 more transcripts).
Identifiers: ClinVar variation 3638735 (VCV003638735.2).
Genomic context (GRCh38, chr22:50,527,284, plus strand): 5'-ACTTAACGTCCACCACCAGAGCGGACAGCCCCTCCACGAGTTTCTTACTGAGAATGGAGG[C>G]TTTGGGGGAGGCAGAGGAGGTTGGAGACAATGGAGAACCTGGAGCTTCTTGGGAGAGTTC-3'

ClinVar aggregate classification (germline): Pathogenic (1 of 4 stars; one submission).

Submission:

Labcorp Genetics (formerly Invitae), Labcorp
Classification: Pathogenic. Last evaluated: 2024-02-04. Review status: criteria provided, single submitter. Criteria: Invitae Variant Classification Sherloc (09022015). Collection method: clinical testing. Allele origin: germline.
Comment: This sequence change affects an acceptor splice site in intron 5 of the TYMP gene. It is expected to disrupt RNA splicing. Variants that disrupt the donor or acceptor splice site typically lead to a loss of protein function (PMID: 16199547), and loss-of-function variants in TYMP are known to be pathogenic (PMID: 9924029, 15781193). This variant is not present in population databases (gnomAD no frequency). Disruption of this splice site has been observed in individual(s) with clinical features of TYMP-related conditions (PMID: 35341481). It has also been observed to segregate with disease in related individuals. Algorithms developed to predict the effect of sequence changes on RNA splicing suggest that this variant may disrupt the consensus splice site. For these reasons, this variant has been classified as Pathogenic.

Literature cited by the submitters: PubMed 16199547; PubMed 9924029; PubMed 15781193; PubMed 35341481.